The following is an entry in ClinVar:

ClinVar aggregate classification (germline): Conflicting classifications of pathogenicity. Review status: criteria provided, conflicting classifications (1 of 4 stars). 2 submissions from 2 submitters: Uncertain significance (1); Likely benign (1). Last evaluated 2025-05-13.

Conditions:
Inborn genetic diseases. Identifiers: MedGen C0950123, MeSH D030342.

Allele frequency attached by ClinVar (database versions not stated): ExAC 0.00004; gnomAD exomes 0.00004; gnomAD 0.00007 and 0.00009; TOPMed 0.00006; ESP Exome Variant Server 0.00023.
gnomAD v4.1: 183 of 1,612,774 alleles (0.011%); highest among the groups gnomAD compares: Non-Finnish European, 0.014%; no homozygotes.

Submissions (2):

Ambry Genetics
Classification: Likely benign for Inborn genetic diseases. Last evaluated: 2025-05-13. Review status: criteria provided, single submitter. Criteria: Ambry Variant Classification Scheme 2023. Collection method: clinical testing. Allele origin: germline.

Labcorp Genetics (formerly Invitae), Labcorp
Classification: Uncertain significance. Last evaluated: 2021-11-01. Review status: criteria provided, single submitter. Criteria: Invitae Variant Classification Sherloc (09022015). Collection method: clinical testing. Allele origin: germline.
Comment: This sequence change replaces asparagine, which is neutral and polar, with serine, which is neutral and polar, at codon 228 of the TRMT10A protein (p.Asn228Ser). This variant is present in population databases (rs137989992, gnomAD 0.008%). This variant has not been reported in the literature in individuals affected with TRMT10A-related conditions. Algorithms developed to predict the effect of missense changes on protein structure and function (SIFT, PolyPhen-2, Align-GVGD) all suggest that this variant is likely to be tolerated. In summary, the available evidence is currently insufficient to determine the role of this variant in disease. Therefore, it has been classified as a Variant of Uncertain Significance.

Literature cited by the submitters: PubMed 36413997 (cited by Ambry Genetics).

NM_001134665.3(TRMT10A):c.683A>G (p.Asn228Ser)

Gene: TRMT10A (tRNA methyltransferase 10A; minus strand). Cytogenetic location: 4q23.
Variant type: single nucleotide variant.
Coding change: c.683A>G on transcript NM_001134665.3 (MANE Select); coding-DNA position 683, A replaced by G.
Protein change: p.Asn228Ser; replaces asparagine 228 with serine.
Molecular consequence: missense variant.
Genome position (GRCh38, 1-based): chr4:99,550,953, T>C on the plus strand (A>G on the coding strand, the complement: TRMT10A is on the minus strand). VCF-style: chr4-99550953-T-C. GRCh37 (hg19) VCF-style: chr4-100472110-T-C.
Other names: c.683A>G, p.Asn228Ser (NM_001134666.3, NM_001375880.1, NM_001375881.1 and 1 more transcripts); c.662A>G, p.Asn221Ser (NM_001375882.1); c.683A>G (NM_152292.4); short protein forms N221S, N228S.
Identifiers: ClinVar variation 1477949 (VCV001477949.5), dbSNP rs137989992, ClinGen allele CA3021457.
Genomic context (GRCh38, chr4:99,550,953, plus strand): 5'-ACTGCCAAAACTTTTCGACTATTCATCTTCACAAAATTTCCAAGTGGGAGCTGTGCATGA[T>C]TGATTCCATAATCTGACGCTTGTTTATATGTGAGTCCCTAAAACAAAGACACTATGACTT-3'
Protein context (NP_001128137.1, residues 218-238): TYKQASDYGI[Asn228Ser]HAQLPLGNFV